The following is an entry in ClinVar:

NC_012920.1(MT-ND2):m.5505A>G

Gene: MT-ND2 (mitochondrially encoded NADH dehydrogenase 2; plus strand).
Variant type: single nucleotide variant.
Genome position: chrM-5505-A-G.
Identifiers: ClinVar variation 585066 (VCV000585066.3), dbSNP rs1569484003, ClinGen allele CA414780619.
Genomic context (GRCh38, chrMT:5,505, plus strand): 5'-CTCCCCACACTCATCGCCCTTACCACGCTACTCCTACCTATCTCCCCTTTTATACTAATA[A>G]TCTTATAGAAATTTAGGTTAAATACAGACCAAGAGCCTTCAAAGCCCTCAGTAAGTTGCA-3'

ClinVar aggregate classification (germline): Uncertain significance (1 of 4 stars; one submission).

Conditions:
Leigh syndrome (NULS). Also called: LEIGH SYNDROME, NUCLEAR; Leigh's necrotizing encephalopathy; Leigh's disease; Leigh's syndrome; Leigh Syndrome (mtDNA deletion); Leigh Disease. Identifiers: Orphanet 506, MedGen C2931891, MONDO:0009723, OMIM 256000.

Submission:

Wong Mito Lab, Molecular and Human Genetics, Baylor College of Medicine
Classification: Uncertain significance for Leigh syndrome. Last evaluated: 2019-10-17. Review status: criteria provided, single submitter. Criteria: Modified ACMG Guidelines (Unpublished). Collection method: clinical testing. Allele origin: germline.
Comment: The NC_012920.1:m.5505A>G (YP_003024027.1:p.Ile346Val) variant in MTND2 gene is interpretated to be a Uncertain Significance variant based on the modified ACMG guidelines (unpublished). This variant meets the following evidence codes: BP4